The following is an entry in ClinVar:

NM_004006.3(DMD):c.2876A>T (p.Glu959Val)

Gene: DMD (dystrophin; minus strand). Cytogenetic location: Xp21.1.
Variant type: single nucleotide variant.
Coding change: c.2876A>T on transcript NM_004006.3 (MANE Select); coding-DNA position 2876, A replaced by T.
Protein change: p.Glu959Val; replaces glutamic acid 959 with valine.
Molecular consequence: missense variant.
Genome position (GRCh38, 1-based): chrX:32,472,237, T>A on the plus strand (A>T on the coding strand, the complement: DMD is on the minus strand). VCF-style: chrX-32472237-T-A. GRCh37 (hg19) VCF-style: chrX-32490354-T-A.
Other names: c.2852A>T, p.Glu951Val (NM_000109.4); c.2864A>T, p.Glu955Val (NM_004009.3); c.2507A>T, p.Glu836Val (NM_004010.3); short protein forms E959V, E955V, E836V, E951V.
Identifiers: ClinVar variation 2137713 (VCV002137713.4), dbSNP rs1352857504, ClinGen allele CA412668079.

ClinVar aggregate classification (germline): Uncertain significance (1 of 4 stars; one submission).

Conditions:
Duchenne muscular dystrophy (DMD). Also called: MUSCULAR DYSTROPHY, PSEUDOHYPERTROPHIC PROGRESSIVE, DUCHENNE TYPE; Duchenne Muscular Dystrophy (DMD). Identifiers: Orphanet 98896, MedGen C0013264, MONDO:0010679, OMIM 310200.

gnomAD v4.1: 1 of 1,211,229 alleles (0.000083%); highest among the groups gnomAD compares: Admixed American, 0.0022%; no homozygotes.

Submission:

Labcorp Genetics (formerly Invitae), Labcorp
Classification: Uncertain significance for Duchenne muscular dystrophy. Last evaluated: 2024-10-22. Review status: criteria provided, single submitter. Criteria: Invitae Variant Classification Sherloc (09022015). Collection method: clinical testing. Allele origin: germline.
Comment: This sequence change replaces glutamic acid, which is acidic and polar, with valine, which is neutral and non-polar, at codon 959 of the DMD protein (p.Glu959Val). This variant is present in population databases (no rsID available, gnomAD 0.004%). This variant has not been reported in the literature in individuals affected with DMD-related conditions. ClinVar contains an entry for this variant (Variation ID: 2137713). Invitae Evidence Modeling of protein sequence and biophysical properties (such as structural, functional, and spatial information, amino acid conservation, physicochemical variation, residue mobility, and thermodynamic stability) indicates that this missense variant is not expected to disrupt DMD protein function with a negative predictive value of 95%. In summary, the available evidence is currently insufficient to determine the role of this variant in disease. Therefore, it has been classified as a Variant of Uncertain Significance.